The following is an entry in ClinVar:

NM_033274.5(ADAM19):c.1374C>T (p.His458=)

Gene: ADAM19 (ADAM metallopeptidase domain 19; minus strand). Cytogenetic location: 5q33.3.
Variant type: single nucleotide variant.
Coding change: c.1374C>T on transcript NM_033274.5 (MANE Select); coding-DNA position 1374, C replaced by T.
Protein change: p.His458=; no amino-acid change (histidine 458 retained).
Molecular consequence: synonymous variant.
Genome position (GRCh38, 1-based): chr5:157,499,597, G>A on the plus strand (C>T on the coding strand, the complement: ADAM19 is on the minus strand). VCF-style: chr5-157499597-G-A. GRCh37 (hg19) VCF-style: chr5-156926605-G-A.
Identifiers: ClinVar variation 2655999 (VCV002655999.24), dbSNP rs114344861, ClinGen allele CA3535281.

ClinVar aggregate classification (germline): Likely benign (1 of 4 stars; one submission).

Allele frequency attached by ClinVar (database versions not stated): 1000 Genomes Project 30x 0.00312; 1000 Genomes Project 0.00319; ESP Exome Variant Server 0.00546.
gnomAD v4.1: 8,619 of 1,613,412 alleles (0.53%); highest among the groups gnomAD compares: Non-Finnish European, 0.51%; 68 homozygotes.

Submission:

CeGaT Center for Human Genetics Tuebingen
Classification: Likely benign. Last evaluated: 2023-03-01. Review status: criteria provided, single submitter. Criteria: CeGaT Center For Human Genetics Tuebingen Variant Classification Criteria Version 2. Collection method: clinical testing. Allele origin: germline. Affected: yes. Observed: 1 variant allele.
Comment: ADAM19: BP4, BP7, BS2